The following is an entry in ClinVar:

NM_001278116.2(L1CAM):c.2697C>T (p.Asn899=)

Gene: L1CAM (L1 cell adhesion molecule; minus strand). Cytogenetic location: Xq28.
Variant type: single nucleotide variant.
Coding change: c.2697C>T on transcript NM_001278116.2 (MANE Select); coding-DNA position 2697, C replaced by T.
Protein change: p.Asn899=; no amino-acid change (asparagine 899 retained).
Molecular consequence: synonymous variant.
Genome position (GRCh38, 1-based): chrX:153,865,351, G>A on the plus strand (C>T on the coding strand, the complement: L1CAM is on the minus strand). VCF-style: chrX-153865351-G-A. GRCh37 (hg19) VCF-style: chrX-153130806-G-A.
Other names: c.2697C>T, p.Asn899= (NM_000425.5, NM_024003.3); c.2682C>T, p.Asn894= (NM_001143963.2).
Identifiers: ClinVar variation 384508 (VCV000384508.13), dbSNP rs139178593, ClinGen allele CA10554124.

ClinVar aggregate classification (germline): Benign/Likely benign. Review status: criteria provided, multiple submitters, no conflicts (2 of 4 stars). 5 submissions from 5 submitters: Benign (1); Likely benign (4). Last evaluated 2026-06-10.

Conditions:
L1CAM-related disorder. Also called: L1CAM-related condition.
Inborn genetic diseases. Identifiers: MedGen C0950123, MeSH D030342.
Spastic paraplegia. Identifiers: MedGen C0037772, HP:0001258.

Allele frequency attached by ClinVar (database versions not stated): gnomAD exomes 0.00006 and 0.00012; ExAC 0.00014; ESP Exome Variant Server 0.00019; gnomAD 0.00050 and 0.00052; TOPMed 0.00060.
gnomAD v4.1: 160 of 1,209,599 alleles (0.013%); highest among the groups gnomAD compares: African/African-American, 0.17%; no homozygotes.

Submissions (5):

PreventionGenetics, part of Exact Sciences
Classification: Likely benign for L1CAM-related condition. Last evaluated: 2026-06-10. Review status: criteria provided, single submitter. Criteria: ACMG Guidelines, 2015. Collection method: clinical testing. Allele origin: germline.
Comment: This variant is classified as likely benign based on ACMG/AMP sequence variant interpretation guidelines (Richards et al. 2015 PMID: 25741868, with internal and published modifications).

Labcorp Genetics (formerly Invitae), Labcorp
Classification: Benign for Spastic paraplegia. Last evaluated: 2026-01-19. Review status: criteria provided, single submitter. Criteria: Invitae Variant Classification Sherloc (09022015). Collection method: clinical testing. Allele origin: germline.

Blueprint Genetics
Classification: Likely benign. Last evaluated: 2018-07-17. Review status: criteria provided, single submitter. Criteria: ACMG Guidelines, 2015. Collection method: clinical testing. Allele origin: germline.

Ambry Genetics
Classification: Likely benign for Inborn genetic diseases. Last evaluated: 2018-02-27. Review status: criteria provided, single submitter. Criteria: Ambry Variant Classification Scheme 2023. Collection method: clinical testing. Allele origin: germline.

GeneDx
Classification: Likely benign. Last evaluated: 2016-03-01. Review status: criteria provided, single submitter. Criteria: GeneDx Variant Classification (06012015). Collection method: clinical testing. Allele origin: germline. Affected: yes.
Comment: This variant is considered likely benign or benign based on one or more of the following criteria: it is a conservative change, it occurs at a poorly conserved position in the protein, it is predicted to be benign by multiple in silico algorithms, and/or has population frequency not consistent with disease.